The following is an entry in ClinVar:

NM_153676.4(USH1C):c.988A>T (p.Ile330Phe)

Gene: USH1C (USH1 protein network component harmonin; minus strand). Cytogenetic location: 11p15.1.
Variant type: single nucleotide variant.
Coding change: c.988A>T on transcript NM_153676.4 (MANE Select); coding-DNA position 988, A replaced by T.
Protein change: p.Ile330Phe; replaces isoleucine 330 with phenylalanine.
Molecular consequence: missense variant. On other transcripts: non-coding transcript variant (1).
Genome position (GRCh38, 1-based): chr11:17,522,815, T>A on the plus strand (A>T on the coding strand, the complement: USH1C is on the minus strand). VCF-style: chr11-17522815-T-A. GRCh37 (hg19) VCF-style: chr11-17544362-T-A.
Other names: c.931A>T, p.Ile311Phe (NM_001297764.2); c.988A>T, p.Ile330Phe (NM_005709.4); short protein forms I330F, I311F.
Identifiers: ClinVar variation 1402054 (VCV001402054.5), dbSNP rs767460132, ClinGen allele CA379787173.

ClinVar aggregate classification (germline): Uncertain significance (1 of 4 stars; one submission).

gnomAD v4.1: 3 of 1,613,932 alleles (0.00019%); highest among the groups gnomAD compares: Non-Finnish European, 0.00017%; no homozygotes.

Submission:

Labcorp Genetics (formerly Invitae), Labcorp
Classification: Uncertain significance. Last evaluated: 2021-09-01. Review status: criteria provided, single submitter. Criteria: Invitae Variant Classification Sherloc (09022015). Collection method: clinical testing. Allele origin: germline.
Comment: This sequence change replaces isoleucine with phenylalanine at codon 330 of the USH1C protein (p.Ile330Phe). The isoleucine residue is highly conserved and there is a small physicochemical difference between isoleucine and phenylalanine. This variant is not present in population databases (ExAC no frequency). This variant has not been reported in the literature in individuals affected with USH1C-related conditions. Algorithms developed to predict the effect of missense changes on protein structure and function (SIFT, PolyPhen-2, Align-GVGD) all suggest that this variant is likely to be tolerated. In summary, the available evidence is currently insufficient to determine the role of this variant in disease. Therefore, it has been classified as a Variant of Uncertain Significance.